The following is an entry in ClinVar:

ClinVar aggregate classification (germline): Uncertain significance (1 of 4 stars; one submission).

Conditions:
Fanconi anemia (FA). Also called: Fanconi's anemia. Identifiers: Orphanet 84, MedGen C0015625, MeSH D005199, MONDO:0019391.

Submission:

Labcorp Genetics (formerly Invitae), Labcorp
Classification: Uncertain significance for Fanconi anemia. Last evaluated: 2024-06-17. Review status: criteria provided, single submitter. Criteria: Invitae Variant Classification Sherloc (09022015). Collection method: clinical testing. Allele origin: germline.
Comment: This sequence change replaces proline, which is neutral and non-polar, with threonine, which is neutral and polar, at codon 203 of the SLX4 protein (p.Pro203Thr). This variant is not present in population databases (gnomAD no frequency). This variant has not been reported in the literature in individuals affected with SLX4-related conditions. ClinVar contains an entry for this variant (Variation ID: 1355889). An algorithm developed to predict the effect of missense changes on protein structure and function (PolyPhen-2) suggests that this variant is likely to be disruptive. In summary, the available evidence is currently insufficient to determine the role of this variant in disease. Therefore, it has been classified as a Variant of Uncertain Significance.

NM_032444.4(SLX4):c.607C>A (p.Pro203Thr)

Gene: SLX4 (SLX4 structure-specific endonuclease subunit; minus strand). Cytogenetic location: 16p13.3.
Variant type: single nucleotide variant.
Coding change: c.607C>A on transcript NM_032444.4 (MANE Select); coding-DNA position 607, C replaced by A.
Protein change: p.Pro203Thr; replaces proline 203 with threonine.
Molecular consequence: missense variant.
Genome position (GRCh38, 1-based): chr16:3,606,627, G>T on the plus strand (C>A on the coding strand, the complement: SLX4 is on the minus strand). VCF-style: chr16-3606627-G-T. GRCh37 (hg19) VCF-style: chr16-3656628-G-T.
Other names: short protein forms P203T.
Identifiers: ClinVar variation 1355889 (VCV001355889.6), dbSNP rs2151137984, ClinGen allele CA394533403.
Genomic context (GRCh38, chr16:3,606,627, plus strand): 5'-GCTCGGGGTCTGCTCTCTTGAACTGCTGCATTCGCTGTAGGACCAATTGTGCTGTGCGGG[G>T]TTTGGAGGGACTTGGCACTGCTGTTGTCAAACAGGAAGGAGGAGGCTGGGAGTCGCTGTT-3'
Protein context (NP_115820.2, residues 193-213): LTTAVPSPSK[Pro203Thr]RTAQLVLQRM